The following is an entry in ClinVar:

NM_001277115.2(DNAH11):c.5318A>G (p.His1773Arg)

Gene: DNAH11 (dynein axonemal heavy chain 11; plus strand). Cytogenetic location: 7p15.3.
Variant type: single nucleotide variant.
Coding change: c.5318A>G on transcript NM_001277115.2 (MANE Select); coding-DNA position 5318, A replaced by G.
Protein change: p.His1773Arg; replaces histidine 1773 with arginine.
Molecular consequence: missense variant.
Genome position (GRCh38, 1-based): chr7:21,659,021, A>G. VCF-style: chr7-21659021-A-G. GRCh37 (hg19) VCF-style: chr7-21698639-A-G.
Other names: short protein forms H1773R.
Identifiers: ClinVar variation 359634 (VCV000359634.16), dbSNP rs200295318, ClinGen allele CA4180354.

ClinVar aggregate classification (germline): Conflicting classifications of pathogenicity. Review status: criteria provided, conflicting classifications (1 of 4 stars). 3 submissions from 3 submitters: Uncertain significance (2); Benign (1). Last evaluated 2025-11-23.

Conditions:
Primary ciliary dyskinesia. Also called: Ciliary dyskinesia. Identifiers: Orphanet 244, MedGen C0008780, MONDO:0016575, HP:0012265.

Allele frequency attached by ClinVar (database versions not stated): gnomAD exomes 0.00006 and 0.00017; ESP Exome Variant Server 0.00008; gnomAD 0.00009 and 0.00010; TOPMed 0.00009; ExAC 0.00020.
gnomAD v4.1: 112 of 1,592,486 alleles (0.007%); highest among the groups gnomAD compares: Middle Eastern, 0.033%; no homozygotes.

Submissions (3):

Labcorp Genetics (formerly Invitae), Labcorp
Classification: Benign for Primary ciliary dyskinesia. Last evaluated: 2025-11-23. Review status: criteria provided, single submitter. Criteria: Invitae Variant Classification Sherloc (09022015). Collection method: clinical testing. Allele origin: germline.

GeneDx
Classification: Uncertain significance. Last evaluated: 2019-01-24. Review status: criteria provided, single submitter. Criteria: GeneDx Variant Classification Process June 2021. Collection method: clinical testing. Allele origin: germline. Affected: yes.
Comment: In silico analysis, which includes protein predictors and evolutionary conservation, supports a deleterious effect; Has not been previously published as pathogenic or benign to our knowledge

Ambry Genetics
Classification: Uncertain significance for Primary ciliary dyskinesia. Last evaluated: 2017-12-20. Review status: criteria provided, single submitter. Criteria: Ambry Variant Classification Scheme 2023. Collection method: clinical testing. Allele origin: germline.
Comment: The p.H1773R variant (also known as c.5318A>G), located in coding exon 30 of the DNAH11 gene, results from an A to G substitution at nucleotide position 5318. The histidine at codon 1773 is replaced by arginine, an amino acid with highly similar properties. This amino acid position is not well conserved in available vertebrate species. In addition, this alteration is predicted to be deleterious bySIFT in silico analysis. Since supporting evidence is limited at this time, the clinical significance of this alteration remains unclear.